The following is an entry in ClinVar:

NM_006270.5(RRAS):c.562C>G (p.Arg188Gly)

Gene: RRAS (RAS related; minus strand). Cytogenetic location: 19q13.33.
Variant type: single nucleotide variant.
Coding change: c.562C>G on transcript NM_006270.5 (MANE Select); coding-DNA position 562, C replaced by G.
Protein change: p.Arg188Gly; replaces arginine 188 with glycine.
Molecular consequence: missense variant.
Genome position (GRCh38, 1-based): chr19:49,635,744, G>C on the plus strand (C>G on the coding strand, the complement: RRAS is on the minus strand). VCF-style: chr19-49635744-G-C. GRCh37 (hg19) VCF-style: chr19-50139001-G-C.
Other names: short protein forms R188G.
Identifiers: ClinVar variation 3622319 (VCV003622319.2).

ClinVar aggregate classification (germline): Uncertain significance (1 of 4 stars; one submission).

Conditions:
Noonan syndrome (NS). Also called: Noonan's syndrome. Identifiers: Orphanet 648, MedGen C0028326, MeSH D009634, MONDO:0018997. Disease mechanism: gain of function.

Submission:

Labcorp Genetics (formerly Invitae), Labcorp
Classification: Uncertain significance for Noonan syndrome. Last evaluated: 2024-11-16. Review status: criteria provided, single submitter. Criteria: Invitae Variant Classification Sherloc (09022015). Collection method: clinical testing. Allele origin: germline.
Comment: This sequence change replaces arginine, which is basic and polar, with glycine, which is neutral and non-polar, at codon 188 of the RRAS protein (p.Arg188Gly). This variant is not present in population databases (gnomAD no frequency). This variant has not been reported in the literature in individuals affected with RRAS-related conditions. An algorithm developed to predict the effect of missense changes on protein structure and function (PolyPhen-2) suggests that this variant is likely to be disruptive. In summary, the available evidence is currently insufficient to determine the role of this variant in disease. Therefore, it has been classified as a Variant of Uncertain Significance.